The following is an entry in ClinVar:

ClinVar aggregate classification (germline): Uncertain significance. Review status: criteria provided, multiple submitters, no conflicts (2 of 4 stars). 4 submissions from 4 submitters: Uncertain significance (2). 2 of the submissions do not count toward it. Last evaluated 2025-10-02.

Conditions:
Cardiovascular phenotype. Identifiers: MedGen CN230736.
Dilated cardiomyopathy 1HH (CMD1HH). Identifiers: Orphanet 154, MedGen C3151293, MONDO:0013479, OMIM 613881.
Myofibrillar myopathy 6. Identifiers: Orphanet 199340, MedGen C2751831, MONDO:0013061, OMIM 612954.

Allele frequency attached by ClinVar (database versions not stated): TOPMed below 0.00001; ExAC 0.00001; gnomAD exomes 0.00001.

Submissions (4):

Ambry Genetics
Classification: Uncertain significance for Cardiovascular phenotype. Last evaluated: 2025-10-02. Review status: criteria provided, single submitter. Criteria: Ambry Variant Classification Scheme 2023. Collection method: clinical testing. Allele origin: germline.

Labcorp Genetics (formerly Invitae), Labcorp
Classification: Uncertain significance for Dilated cardiomyopathy 1HH; Myofibrillar myopathy 6. Last evaluated: 2024-06-24. Review status: criteria provided, single submitter. Criteria: Invitae Variant Classification Sherloc (09022015). Collection method: clinical testing. Allele origin: germline.
Comment: This sequence change replaces asparagine, which is neutral and polar, with lysine, which is basic and polar, at codon 319 of the BAG3 protein (p.Asn319Lys). This variant is present in population databases (rs767223665, gnomAD 0.003%). This variant has not been reported in the literature in individuals affected with BAG3-related conditions. ClinVar contains an entry for this variant (Variation ID: 1174848). Advanced modeling of protein sequence and biophysical properties (such as structural, functional, and spatial information, amino acid conservation, physicochemical variation, residue mobility, and thermodynamic stability) performed at Invitae indicates that this missense variant is not expected to disrupt BAG3 protein function with a negative predictive value of 80%. In summary, the available evidence is currently insufficient to determine the role of this variant in disease. Therefore, it has been classified as a Variant of Uncertain Significance.

Diagnostic Laboratory, Department of Genetics, University Medical Center Groningen
Classification: Uncertain significance. Review status: no assertion criteria provided. Collection method: clinical testing. Allele origin: germline. Affected: yes. Study: VKGL Data-share Consensus. Not counted in ClinVar's aggregate classification.

Genome Diagnostics Laboratory, University Medical Center Utrecht
Classification: Uncertain significance. Review status: no assertion criteria provided. Collection method: clinical testing. Allele origin: germline. Affected: yes. Study: VKGL Data-share Consensus. Not counted in ClinVar's aggregate classification.

NM_004281.4(BAG3):c.957C>G (p.Asn319Lys)

Gene: BAG3 (BAG cochaperone 3; plus strand). Cytogenetic location: 10q26.11.
Variant type: single nucleotide variant.
Coding change: c.957C>G on transcript NM_004281.4 (MANE Select); coding-DNA position 957, C replaced by G.
Protein change: p.Asn319Lys; replaces asparagine 319 with lysine.
Molecular consequence: missense variant.
Genome position (GRCh38, 1-based): chr10:119,676,511, C>G. VCF-style: chr10-119676511-C-G. GRCh37 (hg19) VCF-style: chr10-121436023-C-G.
Other names: short protein forms N319K.
Identifiers: ClinVar variation 1174848 (VCV001174848.12), dbSNP rs767223665, ClinGen allele CA5716453.
Genomic context (GRCh38, chr10:119,676,511, plus strand): 5'-GTCCTTTTTTCAGCAGCCCATGACCCATCGAGAAACTGCACCTGTTTCCCAGCCTGAAAA[C>G]AAACCAGAAAGTAAGCCAGGCCCAGTTGGACCAGAACTCCCTCCTGGACACATCCCAATT-3'
Protein context (NP_004272.2, residues 309-329): RETAPVSQPE[Asn319Lys]KPESKPGPVG